The following is an entry in ClinVar:

ClinVar aggregate classification (germline): Pathogenic (1 of 4 stars; one submission).

Conditions:
Hereditary breast ovarian cancer syndrome. Also called: Hereditary breast and/or ovarian cancer syndrome; Hereditary breast and ovarian cancer syndrome; Hereditary breast and ovarian cancer; Hereditary breast and ovarian cancer syndrome (HBOC); Breast and ovarian cancer; BRCA1- and BRCA2-Associated Hereditary Breast and Ovarian Cancer. Identifiers: Orphanet 145, MedGen C0677776, MeSH D061325, MONDO:0003582. Disease mechanism: loss of function.

Submission:

Labcorp Genetics (formerly Invitae), Labcorp
Classification: Pathogenic for Hereditary breast ovarian cancer syndrome. Last evaluated: 2022-02-18. Review status: criteria provided, single submitter. Criteria: Invitae Variant Classification Sherloc (09022015). Collection method: clinical testing. Allele origin: germline.
Comment: This sequence change creates a premature translational stop signal (p.Cys1820*) in the BRCA2 gene. It is expected to result in an absent or disrupted protein product. Loss-of-function variants in BRCA2 are known to be pathogenic (PMID: 20104584). This variant is not present in population databases (gnomAD no frequency). This variant has not been reported in the literature in individuals affected with BRCA2-related conditions. For these reasons, this variant has been classified as Pathogenic.

Literature cited by the submitters: PubMed 20104584.

NM_000059.4(BRCA2):c.5460C>A (p.Cys1820Ter)

Gene: BRCA2 (BRCA2 DNA repair associated; plus strand). Cytogenetic location: 13q13.1.
Variant type: single nucleotide variant.
Coding change: c.5460C>A on transcript NM_000059.4 (MANE Select); coding-DNA position 5460, C replaced by A.
Protein change: p.Cys1820Ter; replaces cysteine 1820 with a stop codon.
Molecular consequence: nonsense.
Genome position (GRCh38, 1-based): chr13:32,339,815, C>A. VCF-style: chr13-32339815-C-A. GRCh37 (hg19) VCF-style: chr13-32913952-C-A.
Other names: c.5460C>A, p.Cys1820Ter (NM_001406719.1, NM_001406720.1); short protein forms C1820*.
Identifiers: ClinVar variation 2098254 (VCV002098254.4), dbSNP rs758869410, ClinGen allele CA387785636.
Genomic context (GRCh38, chr13:32,339,815, plus strand): 5'-CCCACAAACTGTAAATGAAGATATTTGCGTTGAGGAACTTGTGACTAGCTCTTCACCCTG[C>A]AAAAATAAAAATGCAGCCATTAAATTGTCCATATCTAATAGTAATAATTTTGAGGTAGGG-3'